The following is an entry in ClinVar:

ClinVar aggregate classification (germline): Benign. Review status: criteria provided, multiple submitters, no conflicts (2 of 4 stars). 2 submissions from 2 submitters: Benign (2). Last evaluated 2018-01-13.

Conditions:
Palmoplantar keratoderma-esophageal carcinoma syndrome (TOC). Also called: KERATOSIS PALMARIS ET PLANTARIS WITH ESOPHAGEAL CANCER; PALMOPLANTAR KERATODERMA WITH ESOPHAGEAL CANCER; Tylosis with Esophageal Cancer. Identifiers: Orphanet 2198, MedGen C1835664, MONDO:0007856, OMIM 148500.

Allele frequency attached by ClinVar (database versions not stated): gnomAD 0.07609 and 0.07701; TOPMed 0.08481; gnomAD exomes 0.00974; 1000 Genomes Project 0.11781; 1000 Genomes Project 30x 0.11836.
gnomAD v4.1: 11,663 of 153,164 alleles (7.6%); highest among the groups gnomAD compares: African/African-American, 19%; 929 homozygotes.

Submissions (2):

Illumina Laboratory Services, Illumina
Classification: Benign for Palmoplantar keratoderma-esophageal carcinoma syndrome. Last evaluated: 2018-01-13. Review status: criteria provided, single submitter. Criteria: ICSL Variant Classification Criteria 13 December 2019. Collection method: clinical testing. Allele origin: germline.
Comment: This variant was observed in the ICSL laboratory as part of a predisposition screen in an ostensibly healthy population. It had not been previously curated by ICSL or reported in the Human Gene Mutation Database (HGMD: prior to June 1st, 2018), and was therefore a candidate for classification through an automated scoring system. Utilizing variant allele frequency, disease prevalence and penetrance estimates, and inheritance mode, an automated score was calculated to assess if this variant is too frequent to cause the disease. Based on the score and internal cut-off values, a variant classified as benign is not then subjected to further curation. The score for this variant resulted in a classification of benign for this disease.

Breakthrough Genomics
Classification: Benign. Review status: criteria provided, single submitter. Criteria: ACMG Guidelines, 2015. Collection method: not provided. Allele origin: germline. Inheritance: Autosomal dominant inheritance. Affected: yes.

NM_001005498.4(RHBDF2):c.*619A>G

Gene: RHBDF2 (rhomboid 5 homolog 2; minus strand). Cytogenetic location: 17q25.1.
Variant type: single nucleotide variant.
Coding change: c.*619A>G on transcript NM_001005498.4 (MANE Select); 619 bases downstream of the stop codon, A replaced by G.
Molecular consequence: 3 prime UTR variant. On other transcripts: non-coding transcript variant (3).
Genome position (GRCh38, 1-based): chr17:76,471,014, T>C on the plus strand (A>G on the coding strand, the complement: RHBDF2 is on the minus strand). VCF-style: chr17-76471014-T-C. GRCh37 (hg19) VCF-style: chr17-74467096-T-C.
Other names: c.*619A>G (NM_001376228.1, NM_001376229.1, NM_001376230.1 and 1 more transcripts).
Identifiers: ClinVar variation 325402 (VCV000325402.6), dbSNP rs2289802, ClinGen allele CA10646893.